The following is an entry in ClinVar:

ClinVar aggregate classification (germline): Likely benign. Review status: criteria provided, single submitter (1 of 4 stars). 2 submissions from 2 submitters: Likely benign (1). 1 of the submissions does not count toward it. Last evaluated 2026-01-12.

Conditions:
LARS1-related disorder. Also called: LARS1-related condition.

Allele frequency attached by ClinVar (database versions not stated): TOPMed 0.00008; gnomAD 0.00013; ExAC 0.00023; gnomAD exomes 0.00029.
gnomAD v4.1: 431 of 1,611,252 alleles (0.027%); highest among the groups gnomAD compares: Non-Finnish European, 0.035%; 1 homozygote.

Submissions (2):

Labcorp Genetics (formerly Invitae), Labcorp
Classification: Likely benign. Last evaluated: 2026-01-12. Review status: criteria provided, single submitter. Criteria: Invitae Variant Classification Sherloc (09022015). Collection method: clinical testing. Allele origin: germline.

PreventionGenetics, part of Exact Sciences
Classification: Likely benign for LARS1-related condition. Last evaluated: 2019-07-16. Review status: no assertion criteria provided. Collection method: clinical testing. Allele origin: germline. Not counted in ClinVar's aggregate classification.
Comment: This variant is classified as likely benign based on ACMG/AMP sequence variant interpretation guidelines (Richards et al. 2015 PMID: 25741868, with internal and published modifications).

NM_020117.11(LARS1):c.840-6T>C

Gene: LARS1 (leucyl-tRNA synthetase 1; minus strand). Cytogenetic location: 5q32.
Variant type: single nucleotide variant.
Coding change: c.840-6T>C on transcript NM_020117.11 (MANE Select); 6 bases into the intron before coding-DNA position 840, T replaced by C.
Molecular consequence: intron variant.
Genome position (GRCh38, 1-based): chr5:146,157,634, A>G on the plus strand (T>C on the coding strand, the complement: LARS1 is on the minus strand). VCF-style: chr5-146157634-A-G. GRCh37 (hg19) VCF-style: chr5-145537197-A-G.
Other names: c.678-6T>C (NM_001317965.2); c.759-6T>C (NM_016460.4); c.702-6T>C (NM_001317964.2).
Identifiers: ClinVar variation 3050594 (VCV003050594.4), dbSNP rs759535383, ClinGen allele CA3489800.
Genomic context (GRCh38, chr5:146,157,634, plus strand): 5'-GGTCTCAGGTCTGAGAGTAGCAGCCACCAAGAAAATATTTTTACCTTTCAGGCCACTGAG[A>G]AAAAAAAACAAATATTGATGTAAAAACATGTCAACTCTGTAACAACTATCTGATGGTTCA-3'